The following is an entry in ClinVar:

ClinVar aggregate classification (germline): Uncertain significance. Review status: criteria provided, multiple submitters, no conflicts (2 of 4 stars). 2 submissions from 2 submitters: Uncertain significance (2). Last evaluated 2026-02-17.

Conditions:
Hajdu-Cheney syndrome (HJCYS). Also called: ACROOSTEOLYSIS WITH OSTEOPOROSIS AND CHANGES IN SKULL AND MANDIBLE; SERPENTINE FIBULA-POLYCYSTIC KIDNEY SYNDROME; Acroosteolysis dominant type. Identifiers: Orphanet 955, MedGen C0917715, MONDO:0007057, OMIM 102500.
NOTCH2-related disorder. Also called: NOTCH2-related condition.

gnomAD v4.1: 1 of 1,614,198 alleles (0.000062%); highest among the groups gnomAD compares: Admixed American, 0.0017%; no homozygotes.

Submissions (2):

PreventionGenetics, part of Exact Sciences
Classification: Uncertain significance for NOTCH2-related condition. Last evaluated: 2026-02-17. Review status: criteria provided, single submitter. Criteria: ACMG Guidelines, 2015. Collection method: clinical testing. Allele origin: germline.
Comment: The NOTCH2 c.6389G>A variant is predicted to result in the amino acid substitution p.Arg2130Lys. To our knowledge, this variant has not been reported in the literature or in a large population database (gnomAD), indicating this variant is rare. At this time, the clinical significance of this variant is uncertain due to the absence of conclusive functional and genetic evidence.

Labcorp Genetics (formerly Invitae), Labcorp
Classification: Uncertain significance for Hajdu-Cheney syndrome. Last evaluated: 2025-09-26. Review status: criteria provided, single submitter. Criteria: Invitae Variant Classification Sherloc (09022015). Collection method: clinical testing. Allele origin: germline.
Comment: This sequence change replaces arginine, which is basic and polar, with lysine, which is basic and polar, at codon 2130 of the NOTCH2 protein (p.Arg2130Lys). This variant is not present in population databases (gnomAD no frequency). This variant has not been reported in the literature in individuals affected with NOTCH2-related conditions. ClinVar contains an entry for this variant (Variation ID: 3667249). Invitae Evidence Modeling of protein sequence and biophysical properties (such as structural, functional, and spatial information, amino acid conservation, physicochemical variation, residue mobility, and thermodynamic stability) indicates that this missense variant is not expected to disrupt NOTCH2 protein function with a negative predictive value of 80%. In summary, the available evidence is currently insufficient to determine the role of this variant in disease. Therefore, it has been classified as a Variant of Uncertain Significance.

NM_024408.4(NOTCH2):c.6389G>A (p.Arg2130Lys)

Gene: NOTCH2 (notch receptor 2; minus strand). Cytogenetic location: 1p12.
Variant type: single nucleotide variant.
Coding change: c.6389G>A on transcript NM_024408.4 (MANE Select); coding-DNA position 6389, G replaced by A.
Protein change: p.Arg2130Lys; replaces arginine 2130 with lysine.
Molecular consequence: missense variant.
Genome position (GRCh38, 1-based): chr1:119,916,333, C>T on the plus strand (G>A on the coding strand, the complement: NOTCH2 is on the minus strand). VCF-style: chr1-119916333-C-T. GRCh37 (hg19) VCF-style: chr1-120458956-C-T.
Other names: c.6389G>A (NM_024408.3); short protein forms R2130K.
Identifiers: ClinVar variation 3667249 (VCV003667249.3).